The following is an entry in ClinVar:

NM_006466.4(POLR3F):c.430-10T>C

Gene: POLR3F (RNA polymerase III subunit F; plus strand). Cytogenetic location: 20p11.23.
Variant type: single nucleotide variant.
Coding change: c.430-10T>C on transcript NM_006466.4 (MANE Select); 10 bases into the intron before coding-DNA position 430, T replaced by C.
Molecular consequence: intron variant.
Genome position (GRCh38, 1-based): chr20:18,480,028, T>C. VCF-style: chr20-18480028-T-C. GRCh37 (hg19) VCF-style: chr20-18460672-T-C.
Other names: c.307-10T>C (NM_001282526.2); c.430-374T>C (NM_001410821.1).
Identifiers: ClinVar variation 2715548 (VCV002715548.3), dbSNP rs2517425188, ClinGen allele CA2697547321.

ClinVar aggregate classification (germline): Uncertain significance (1 of 4 stars; one submission).

Submission:

Labcorp Genetics (formerly Invitae), Labcorp
Classification: Uncertain significance. Last evaluated: 2023-06-15. Review status: criteria provided, single submitter. Criteria: Invitae Variant Classification Sherloc (09022015). Collection method: clinical testing. Allele origin: germline.
Comment: This sequence change falls in intron 5 of the POLR3F gene. It does not directly change the encoded amino acid sequence of the POLR3F protein. This variant is not present in population databases (gnomAD no frequency). This variant has not been reported in the literature in individuals affected with POLR3F-related conditions. In summary, the available evidence is currently insufficient to determine the role of this variant in disease. Therefore, it has been classified as a Variant of Uncertain Significance.